The following is an entry in ClinVar:

NM_001384732.1(CPLANE1):c.8797C>A (p.Gln2933Lys)

Gene: CPLANE1 (ciliogenesis and planar polarity effector complex subunit 1; minus strand). Cytogenetic location: 5p13.2.
Variant type: single nucleotide variant.
Coding change: c.8797C>A on transcript NM_001384732.1 (MANE Select); coding-DNA position 8797, C replaced by A.
Protein change: p.Gln2933Lys; replaces glutamine 2933 with lysine.
Molecular consequence: missense variant.
Genome position (GRCh38, 1-based): chr5:37,125,405, G>T on the plus strand (C>A on the coding strand, the complement: CPLANE1 is on the minus strand). VCF-style: chr5-37125405-G-T. GRCh37 (hg19) VCF-style: chr5-37125507-G-T.
Other names: c.8635C>A, p.Gln2879Lys (NM_023073.4); short protein forms Q2879K, Q2933K.
Identifiers: ClinVar variation 2162247 (VCV002162247.4), dbSNP rs760841610, ClinGen allele CA3237646.

ClinVar aggregate classification (germline): Uncertain significance (1 of 4 stars; one submission).

Allele frequency attached by ClinVar (database versions not stated): TOPMed below 0.00001; gnomAD 0.00001; ExAC 0.00004.
gnomAD v4.1: 17 of 1,611,320 alleles (0.0011%); highest among the groups gnomAD compares: Non-Finnish European, 0.0012%; no homozygotes.

Submission:

Labcorp Genetics (formerly Invitae), Labcorp
Classification: Uncertain significance. Last evaluated: 2022-06-24. Review status: criteria provided, single submitter. Criteria: Invitae Variant Classification Sherloc (09022015). Collection method: clinical testing. Allele origin: germline.
Comment: Algorithms developed to predict the effect of sequence changes on RNA splicing suggest that this variant may create or strengthen a splice site. In summary, the available evidence is currently insufficient to determine the role of this variant in disease. Therefore, it has been classified as a Variant of Uncertain Significance. This sequence change replaces glutamine, which is neutral and polar, with lysine, which is basic and polar, at codon 2879 of the CPLANE1 protein (p.Gln2879Lys). This variant is present in population databases (rs760841610, gnomAD 0.009%). This variant has not been reported in the literature in individuals affected with CPLANE1-related conditions. Advanced modeling of protein sequence and biophysical properties (such as structural, functional, and spatial information, amino acid conservation, physicochemical variation, residue mobility, and thermodynamic stability) performed at Invitae indicates that this missense variant is not expected to disrupt CPLANE1 protein function.